The following is an entry in ClinVar:

ClinVar aggregate classification (germline): Uncertain significance (1 of 4 stars; one submission).

Submission:

GeneDx
Classification: Uncertain significance. Last evaluated: 2024-07-26. Review status: criteria provided, single submitter. Criteria: GeneDx Variant Classification Process June 2021. Collection method: clinical testing. Allele origin: germline. Affected: yes.
Comment: Not observed at significant frequency in large population cohorts (gnomAD); In silico analysis indicates that this missense variant does not alter protein structure/function; Has not been previously published as pathogenic or benign to our knowledge

NM_014905.5(GLS):c.181G>A (p.Gly61Ser)

Genes: GLS (glutaminase; plus strand), LOC129935269 (ATAC-STARR-seq lymphoblastoid silent region 12187; plus strand). Cytogenetic location: 2q32.2.
Variant type: single nucleotide variant.
Coding change: c.181G>A on transcript NM_014905.5 (MANE Select); coding-DNA position 181, G replaced by A.
Protein change: p.Gly61Ser; replaces glycine 61 with serine.
Molecular consequence: missense variant.
Genome position (GRCh38, 1-based): chr2:190,881,265, G>A. VCF-style: chr2-190881265-G-A. GRCh37 (hg19) VCF-style: chr2-191745991-G-A.
Other names: c.181G>A, p.Gly61Ser (NM_001256310.2); short protein forms G61S.
Identifiers: ClinVar variation 3602372 (VCV003602372.1).